The following is an entry in ClinVar:

NM_000094.4(COL7A1):c.5930G>A (p.Arg1977His)

Gene: COL7A1 (collagen type VII alpha 1 chain; minus strand). Cytogenetic location: 3p21.31.
Variant type: single nucleotide variant.
Coding change: c.5930G>A on transcript NM_000094.4 (MANE Select); coding-DNA position 5930, G replaced by A.
Protein change: p.Arg1977His; replaces arginine 1977 with histidine.
Molecular consequence: missense variant.
Genome position (GRCh38, 1-based): chr3:48,575,675, C>T on the plus strand (G>A on the coding strand, the complement: COL7A1 is on the minus strand). VCF-style: chr3-48575675-C-T. GRCh37 (hg19) VCF-style: chr3-48613108-C-T.
Other names: short protein forms R1977H.
Identifiers: ClinVar variation 2200091 (VCV002200091.1), dbSNP rs182669506, ClinGen allele CA2379244.

ClinVar aggregate classification (germline): Uncertain significance (1 of 4 stars; one submission).

gnomAD v4.1: 14 of 1,613,512 alleles (0.00087%); highest among the groups gnomAD compares: African/African-American, 0.0027%; no homozygotes.

Submission:

Labcorp Genetics (formerly Invitae), Labcorp
Classification: Uncertain significance. Last evaluated: 2022-03-12. Review status: criteria provided, single submitter. Criteria: Invitae Variant Classification Sherloc (09022015). Collection method: clinical testing. Allele origin: germline.
Comment: This sequence change replaces arginine, which is basic and polar, with histidine, which is basic and polar, at codon 1977 of the COL7A1 protein (p.Arg1977His). This variant is not present in population databases (gnomAD no frequency). This variant has not been reported in the literature in individuals affected with COL7A1-related conditions. Advanced modeling of protein sequence and biophysical properties (such as structural, functional, and spatial information, amino acid conservation, physicochemical variation, residue mobility, and thermodynamic stability) performed at Invitae indicates that this missense variant is not expected to disrupt COL7A1 protein function. In summary, the available evidence is currently insufficient to determine the role of this variant in disease. Therefore, it has been classified as a Variant of Uncertain Significance.